The following is an entry in ClinVar:

NM_000051.4(ATM):c.698del (p.Ile232_Leu233insTer)

Gene: ATM (ATM serine/threonine kinase; plus strand). Cytogenetic location: 11q22.3.
Variant type: Deletion.
Coding change: c.698del on transcript NM_000051.4 (MANE Select); coding-DNA position 698, one base deleted (T; older notation c.698delT).
Protein change: p.Ile232_Leu233insTer.
Molecular consequence: nonsense.
Genome position (GRCh38, 1-based): chr11:108,244,823, T deleted; the last of 2 consecutive T bases (chr11:108,244,822-108,244,823); deleting either gives the same sequence. VCF-style (leftmost placement, unchanged base first): chr11-108244821-CT-C. GRCh37 (hg19) VCF-style: chr11-108115548-CT-C.
Other names: c.698del, p.Ile232_Leu233insTer (NM_001351834.2).
Identifiers: ClinVar variation 4168496 (VCV004168496.1).

ClinVar aggregate classification (germline): Pathogenic (1 of 4 stars; one submission).

Conditions:
Hereditary cancer-predisposing syndrome. Also called: Neoplastic Syndromes, Hereditary; Tumor predisposition; Hereditary Cancer Syndrome; Hereditary neoplastic syndrome. Identifiers: Orphanet 140162, MedGen C0027672, MeSH D009386, MONDO:0015356.

Submission:

Ambry Genetics
Classification: Pathogenic for Hereditary cancer-predisposing syndrome. Last evaluated: 2025-06-24. Review status: criteria provided, single submitter. Criteria: Ambry Variant Classification Scheme 2023. Collection method: clinical testing. Allele origin: germline.
Comment: The c.698delT pathogenic mutation, located in coding exon 6 of the ATM gene, results from a deletion of one nucleotide at nucleotide position 698, causing a translational frameshift with a predicted alternate stop codon (p.L233*). This variant is considered to be rare based on population cohorts in the Genome Aggregation Database (gnomAD). This alteration is expected to result in loss of function by premature protein truncation or nonsense-mediated mRNA decay. As such, this alteration is interpreted as a disease-causing mutation.